The following is an entry in ClinVar:

ClinVar aggregate classification (germline): Uncertain significance. Review status: criteria provided, multiple submitters, no conflicts (2 of 4 stars). 5 submissions from 5 submitters: Uncertain significance (5). Last evaluated 2026-09-01.

Conditions:
Familial thoracic aortic aneurysm and aortic dissection (TAAD). Also called: Thoracic aortic aneurysms and dissections. Identifiers: Orphanet 91387, MedGen C4707243, MONDO:0019625.
Aortic aneurysm, familial thoracic 4 (AAT4). Also called: AORTIC ANEURYSM/AORTIC DISSECTION AND PATENT DUCTUS ARTERIOSUS. Identifiers: MedGen C1851504, MONDO:0007568, OMIM 132900.

Allele frequency attached by ClinVar (database versions not stated): gnomAD 0.00001; gnomAD exomes 0.00001 and 0.00005; TOPMed 0.00005; ExAC 0.00006.
gnomAD v4.1: 19 of 1,613,932 alleles (0.0012%); highest among the groups gnomAD compares: Admixed American, 0.022%; no homozygotes.

Submissions (5):

CeGaT Center for Human Genetics Tuebingen
Classification: Uncertain significance. Last evaluated: 2026-09-01. Review status: criteria provided, single submitter. Criteria: CeGaT Center For Human Genetics Tuebingen Variant Classification Criteria Version 2. Collection method: clinical testing. Allele origin: germline. Affected: yes. Observed: 1 variant allele.
Comment: MYH11: PP3

Labcorp Genetics (formerly Invitae), Labcorp
Classification: Uncertain significance for Aortic aneurysm, familial thoracic 4. Last evaluated: 2025-08-26. Review status: criteria provided, single submitter. Criteria: Invitae Variant Classification Sherloc (09022015). Collection method: clinical testing. Allele origin: germline.
Comment: This sequence change replaces arginine, which is basic and polar, with tryptophan, which is neutral and slightly polar, at codon 1447 of the MYH11 protein (p.Arg1447Trp). This variant is present in population databases (rs766841864, gnomAD 0.03%). This missense change has been observed in individual(s) with clinical features of thoracic aortic aneurysm and dissection (internal data). ClinVar contains an entry for this variant (Variation ID: 281607). Invitae Evidence Modeling of protein sequence and biophysical properties (such as structural, functional, and spatial information, amino acid conservation, physicochemical variation, residue mobility, and thermodynamic stability) indicates that this missense variant is not expected to disrupt MYH11 protein function with a negative predictive value of 80%. In summary, the available evidence is currently insufficient to determine the role of this variant in disease. Therefore, it has been classified as a Variant of Uncertain Significance.

Color Diagnostics, LLC DBA Color Health
Classification: Uncertain significance for Familial thoracic aortic aneurysm and aortic dissection. Last evaluated: 2023-09-01. Review status: criteria provided, single submitter. Criteria: ACMG Guidelines, 2015. Collection method: clinical testing. Allele origin: germline.
Comment: This missense variant replaces arginine with tryptophan at codon 1447 of the MYH11 protein. Computational prediction suggests that this variant may have a deleterious impact on protein structure and function (internally defined REVEL score threshold >= 0.7, PMID: 27666373). To our knowledge, functional studies have not been reported for this variant. This variant has not been reported in individuals affected with MYH11-related disorders in the literature. This variant has been identified in 13/251480 chromosomes in the general population by the Genome Aggregation Database (gnomAD). The available evidence is insufficient to determine the role of this variant in disease conclusively. Therefore, this variant is classified as a Variant of Uncertain Significance.

Ambry Genetics
Classification: Uncertain significance for Familial thoracic aortic aneurysm and aortic dissection. Last evaluated: 2021-10-11. Review status: criteria provided, single submitter. Criteria: Ambry Variant Classification Scheme 2023. Collection method: clinical testing. Allele origin: germline.
Comment: The p.R1440W variant (also known as c.4318C>T), located in coding exon 30 of the MYH11 gene, results from a C to T substitution at nucleotide position 4318. The arginine at codon 1440 is replaced by tryptophan, an amino acid with dissimilar properties. This amino acid position is conserved. In addition, this alteration is predicted to be tolerated by in silico analysis. Since supporting evidence is limited at this time, the clinical significance of this alteration remains unclear.

Eurofins Ntd Llc (ga)
Classification: Uncertain significance. Last evaluated: 2015-07-06. Review status: criteria provided, single submitter. Criteria: EGL Classification Definitions 2015. Collection method: clinical testing. Allele origin: germline. Observed: 1 variant allele, 1 heterozygote.

NM_002474.3(MYH11):c.4318C>T (p.Arg1440Trp)

Genes: MYH11 (myosin heavy chain 11; minus strand), NDE1 (nudE neurodevelopment protein 1; plus strand). Cytogenetic location: 16p13.11.
Variant type: single nucleotide variant.
Coding change: c.4318C>T on transcript NM_002474.3 (MANE Select); coding-DNA position 4318, C replaced by T.
Protein change: p.Arg1440Trp; replaces arginine 1440 with tryptophan.
Molecular consequence: missense variant.
Genome position (GRCh38, 1-based): chr16:15,724,208, G>A on the plus strand (C>T on the coding strand, the complement: MYH11 is on the minus strand). VCF-style: chr16-15724208-G-A. GRCh37 (hg19) VCF-style: chr16-15818065-G-A.
Other names: c.4339C>T, p.Arg1447Trp (NM_001040113.2, NM_001040114.2); c.4318C>T, p.Arg1440Trp (NM_022844.3); c.965G>A, p.Arg322His (NM_001143979.2, NM_017668.3); short protein forms R1447W, R1440W, R322H.
Identifiers: ClinVar variation 281607 (VCV000281607.11), dbSNP rs766841864, ClinGen allele CA7921714.